The following is an entry in ClinVar:

ClinVar aggregate classification (germline): Uncertain significance. Review status: criteria provided, multiple submitters, no conflicts (2 of 4 stars). 4 submissions from 4 submitters: Uncertain significance (4). Last evaluated 2025-12-03.

Conditions:
Hereditary cancer-predisposing syndrome. Also called: Tumor predisposition; Hereditary Cancer Syndrome; Hereditary neoplastic syndrome; Neoplastic Syndromes, Hereditary. Identifiers: Orphanet 140162, MedGen C0027672, MeSH D009386, MONDO:0015356.
Familial adenomatous polyposis 1 (FAP1). Also called: FAMILIAL ADENOMATOUS POLYPOSIS 1, ATTENUATED; POLYPOSIS, ADENOMATOUS INTESTINAL. Identifiers: MedGen C2713442, MONDO:0021056, OMIM 175100. Disease mechanism: loss of function.

gnomAD v4.1: 2 of 1,614,166 alleles (0.00012%); highest among the groups gnomAD compares: Non-Finnish European, 0.000085%; no homozygotes.

Submissions (4):

Labcorp Genetics (formerly Invitae), Labcorp
Classification: Uncertain significance for Familial adenomatous polyposis 1. Last evaluated: 2025-12-03. Review status: criteria provided, single submitter. Criteria: Invitae Variant Classification Sherloc (09022015). Collection method: clinical testing. Allele origin: germline.
Comment: This sequence change replaces proline, which is neutral and non-polar, with alanine, which is neutral and non-polar, at codon 865 of the APC protein (p.Pro865Ala). This variant is present in population databases (rs192620988, gnomAD 0.0009%). This variant has not been reported in the literature in individuals affected with APC-related conditions. ClinVar contains an entry for this variant (Variation ID: 181794). Invitae Evidence Modeling of protein sequence and biophysical properties (such as structural, functional, and spatial information, amino acid conservation, physicochemical variation, residue mobility, and thermodynamic stability) indicates that this missense variant is not expected to disrupt APC protein function with a negative predictive value of 95%. In summary, the available evidence is currently insufficient to determine the role of this variant in disease. Therefore, it has been classified as a Variant of Uncertain Significance.

Ambry Genetics
Classification: Uncertain significance for Hereditary cancer-predisposing syndrome. Last evaluated: 2022-08-31. Review status: criteria provided, single submitter. Criteria: Ambry Variant Classification Scheme 2023. Collection method: clinical testing. Allele origin: germline.
Comment: The p.P865A variant (also known as c.2593C>G), located in coding exon 15 of the APC gene, results from a C to G substitution at nucleotide position 2593. The proline at codon 865 is replaced by alanine, an amino acid with highly similar properties. This amino acid position is not well conserved in available vertebrate species. In addition, in silico predictors for this gene do not accurately predict pathogenicity. Since supporting evidence is limited at this time, the clinical significance of this alteration remains unclear.

Women's Health and Genetics/Laboratory Corporation of America, LabCorp
Classification: Uncertain significance. Last evaluated: 2022-06-23. Review status: criteria provided, single submitter. Criteria: LabCorp Variant Classification Summary - May 2015. Collection method: clinical testing. Allele origin: germline.

GeneDx
Classification: Uncertain significance. Last evaluated: 2014-09-02. Review status: criteria provided, single submitter. Criteria: GeneDx Variant Classification (06012015). Collection method: clinical testing. Allele origin: germline. Affected: yes.
Comment: This variant is denoted APC c.2593C>G at the cDNA level, p.Pro865Ala (P865A) at the protein level, and results in the change of a Proline to an Alanine (CCA>GCA). This variant has not, to our knowledge, been published in the literature as pathogenic or benign. APC Pro865Ala was not observed in approximately 6,500 individuals of European and African American ancestry in the NHLBI Exome Sequencing Project, indicating it is not a common benign variant in these populations. Since Proline and Alanine differ in some properties, this is considered a semi-conservative amino acid substitution. APC Pro865Ala occurs at a position that is moderately conserved across species and is not located in a known functional domain (UniProt, Azzopardi 2008). In silico analyses predict that this variant is probably damaging to protein structure and function. Based on currently available information, it is unclear whether APC Pro865Ala is pathogenic or benign. We consider it to be a variant of uncertain significance.

NM_000038.6(APC):c.2593C>G (p.Pro865Ala)

Gene: APC (APC regulator of Wnt signaling pathway; plus strand). Cytogenetic location: 5q22.2.
Variant type: single nucleotide variant.
Coding change: c.2593C>G on transcript NM_000038.6 (MANE Select); coding-DNA position 2593, C replaced by G.
Protein change: p.Pro865Ala; replaces proline 865 with alanine.
Molecular consequence: missense variant.
Genome position (GRCh38, 1-based): chr5:112,838,187, C>G. VCF-style: chr5-112838187-C-G. GRCh37 (hg19) VCF-style: chr5-112173884-C-G.
Other names: p.P865A:CCA>GCA; c.2623C>G, p.Pro875Ala (NM_001354897.2); c.2518C>G, p.Pro840Ala (NM_001354898.2); c.2509C>G, p.Pro837Ala (NM_001354899.2); c.2470C>G, p.Pro824Ala (NM_001354900.2); c.2416C>G, p.Pro806Ala (NM_001354901.2); c.2320C>G, p.Pro774Ala (NM_001354902.2); c.2290C>G, p.Pro764Ala (NM_001354903.2); and 6 more; short protein forms P847A, P865A, P806A, P582A, P705A, P764A, P875A, P883A.
Identifiers: ClinVar variation 181794 (VCV000181794.15), dbSNP rs192620988, ClinGen allele CA007624.